The following is an entry in ClinVar:

ClinVar aggregate classification (germline): Uncertain significance (1 of 4 stars; one submission).

Conditions:
Atrial fibrillation, familial, 18 (ATFB18). Identifiers: MedGen C4310636, MONDO:0015001, OMIM 617280.

gnomAD v4.1: 1 of 1,614,090 alleles (0.000062%); no homozygotes.

Submission:

Labcorp Genetics (formerly Invitae), Labcorp
Classification: Uncertain significance for Atrial fibrillation, familial, 18. Last evaluated: 2024-09-26. Review status: criteria provided, single submitter. Criteria: Invitae Variant Classification Sherloc (09022015). Collection method: clinical testing. Allele origin: germline.
Comment: This sequence change replaces isoleucine, which is neutral and non-polar, with phenylalanine, which is neutral and non-polar, at codon 123 of the MYL4 protein (p.Ile123Phe). This variant is not present in population databases (gnomAD no frequency). This variant has not been reported in the literature in individuals affected with MYL4-related conditions. An algorithm developed to predict the effect of missense changes on protein structure and function (PolyPhen-2) suggests that this variant is likely to be tolerated. In summary, the available evidence is currently insufficient to determine the role of this variant in disease. Therefore, it has been classified as a Variant of Uncertain Significance.

NM_002476.2(MYL4):c.367A>T (p.Ile123Phe)

Gene: MYL4 (myosin light chain 4; plus strand). Cytogenetic location: 17q21.32.
Variant type: single nucleotide variant.
Coding change: c.367A>T on transcript NM_002476.2 (MANE Select); coding-DNA position 367, A replaced by T.
Protein change: p.Ile123Phe; replaces isoleucine 123 with phenylalanine.
Molecular consequence: missense variant.
Genome position (GRCh38, 1-based): chr17:47,221,735, A>T. VCF-style: chr17-47221735-A-T. GRCh37 (hg19) VCF-style: chr17-45299101-A-T.
Other names: c.367A>T, p.Ile123Phe (NM_001002841.2); short protein forms I123F.
Identifiers: ClinVar variation 3719197 (VCV003719197.2).